The following is an entry in ClinVar:

ClinVar aggregate classification (germline): Uncertain significance (1 of 4 stars; one submission).

Submission:

CeGaT Center for Human Genetics Tuebingen
Classification: Uncertain significance. Last evaluated: 2023-05-01. Review status: criteria provided, single submitter. Criteria: CeGaT Center For Human Genetics Tuebingen Variant Classification Criteria Version 2. Collection method: clinical testing. Allele origin: germline. Affected: yes. Observed: 1 variant allele.
Comment: KCNK4: PM2

NM_033310.3(KCNK4):c.866G>C (p.Arg289Pro)

Genes: KCNK4 (potassium two pore domain channel subfamily K member 4; plus strand), KCNK4-CATSPERZ (KCNK4-CATSPERZ readthrough (NMD candidate); plus strand). Cytogenetic location: 11q13.1.
Variant type: single nucleotide variant.
Coding change: c.866G>C on transcript NM_033310.3 (MANE Select); coding-DNA position 866, G replaced by C.
Protein change: p.Arg289Pro; replaces arginine 289 with proline.
Molecular consequence: missense variant. On other transcripts: non-coding transcript variant (3).
Genome position (GRCh38, 1-based): chr11:64,299,410, G>C. VCF-style: chr11-64299410-G-C. GRCh37 (hg19) VCF-style: chr11-64066882-G-C.
Other names: c.866G>C, p.Arg289Pro (NM_001317090.2, NM_033311.1); short protein forms R289P.
Identifiers: ClinVar variation 2641919 (VCV002641919.24), dbSNP rs1044774283, ClinGen allele CA381067203.
Genomic context (GRCh38, chr11:64,299,410, plus strand): 5'-GCGGCCTCACGGCTCAGGCTGCCAGCTGGACTGGCACGGTGACAGCGCGCGTGACCCAGC[G>C]AGCCGGGCCCGCCGCCCCGCCGCCGGAGAAGGAGCAGCCACTGCTGCCTCCACCGCCCTG-3'
Protein context (NP_201567.1, residues 279-299): TGTVTARVTQ[Arg289Pro]AGPAAPPPEK